The following is an entry in ClinVar:

NM_014444.5(TUBGCP4):c.1202A>G (p.His401Arg)

Gene: TUBGCP4 (tubulin gamma complex component 4; plus strand). Cytogenetic location: 15q15.3.
Variant type: single nucleotide variant.
Coding change: c.1202A>G on transcript NM_014444.5 (MANE Select); coding-DNA position 1202, A replaced by G.
Protein change: p.His401Arg; replaces histidine 401 with arginine.
Molecular consequence: missense variant.
Genome position (GRCh38, 1-based): chr15:43,397,244, A>G. VCF-style: chr15-43397244-A-G. GRCh37 (hg19) VCF-style: chr15-43689442-A-G.
Other names: c.1202A>G, p.His401Arg (NM_001286414.3); short protein forms H401R.
Identifiers: ClinVar variation 2824070 (VCV002824070.3), dbSNP rs2543068041, ClinGen allele CA392131657.

ClinVar aggregate classification (germline): Uncertain significance (1 of 4 stars; one submission).

Submission:

Labcorp Genetics (formerly Invitae), Labcorp
Classification: Uncertain significance. Last evaluated: 2022-12-25. Review status: criteria provided, single submitter. Criteria: Invitae Variant Classification Sherloc (09022015). Collection method: clinical testing. Allele origin: germline.
Comment: In summary, the available evidence is currently insufficient to determine the role of this variant in disease. Therefore, it has been classified as a Variant of Uncertain Significance. Advanced modeling of protein sequence and biophysical properties (such as structural, functional, and spatial information, amino acid conservation, physicochemical variation, residue mobility, and thermodynamic stability) performed at Invitae indicates that this missense variant is not expected to disrupt TUBGCP4 protein function. This variant has not been reported in the literature in individuals affected with TUBGCP4-related conditions. This variant is not present in population databases (gnomAD no frequency). This sequence change replaces histidine, which is basic and polar, with arginine, which is basic and polar, at codon 401 of the TUBGCP4 protein (p.His401Arg).